The following is an entry in ClinVar:

NM_000531.6(OTC):c.829C>T (p.Arg277Trp)

Gene: OTC (ornithine transcarbamylase; plus strand). Cytogenetic location: Xp11.4.
Variant type: single nucleotide variant.
Coding change: c.829C>T on transcript NM_000531.6 (MANE Select); coding-DNA position 829, C replaced by T.
Protein change: p.Arg277Trp; replaces arginine 277 with tryptophan.
Molecular consequence: missense variant.
Genome position (GRCh38, 1-based): chrX:38,408,987, C>T. VCF-style: chrX-38408987-C-T. GRCh37 (hg19) VCF-style: chrX-38268240-C-T.
Other names: p.R277W:CGG>TGG; R245W; short protein forms R277W.
Identifiers: ClinVar variation 10999 (VCV000010999.37), dbSNP rs72558454, ClinGen allele CA255648.
Genomic context (GRCh38, chrX:38,408,987, plus strand): 5'-GGCAATGTATTAATTACAGACACTTGGATAAGCATGGGACAAGAAGAGGAGAAGAAAAAG[C>T]GGCTCCAGGCTTTCCAAGGTTACCAGGTTACAATGAAGGTACAAATTGATGCCTCTCTGA-3'
Protein context (NP_000522.3, residues 267-287): SMGQEEEKKK[Arg277Trp]LQAFQGYQVT

ClinVar aggregate classification (germline): Pathogenic. Review status: criteria provided, multiple submitters, no conflicts (2 of 4 stars). 13 submissions from 13 submitters: Pathogenic (11). 2 of the submissions do not count toward it. Last evaluated 2026-06-19.

Conditions:
OTC-related disorder. Also called: OTC-related condition.
Inborn genetic diseases. Identifiers: MedGen C0950123, MeSH D030342.
Ornithine carbamoyltransferase deficiency (OTCD). Also called: ORNITHINE TRANSCARBAMYLASE DEFICIENCY, HYPERAMMONEMIA DUE TO; ORNITHINE TRANSCARBAMYLASE DEFICIENCY; OTC DEFICIENCY; Ornithine Carbamoyltransferase Deficiency Disease. Identifiers: Orphanet 664, MedGen C0268542, MONDO:0010703, OMIM 311250.

Allele frequency attached by ClinVar (database versions not stated): gnomAD exomes below 0.00001.

Submissions (13):

PreventionGenetics, part of Exact Sciences
Classification: Pathogenic for OTC-related condition. Last evaluated: 2026-06-19. Review status: criteria provided, single submitter. Criteria: ACMG Guidelines, 2015. Collection method: clinical testing. Allele origin: germline.
Comment: The OTC c.829C>T variant is predicted to result in the amino acid substitution p.Arg277Trp. This variant has been reported as a recurrent variant in individuals with ornithine transcarbamylase (OTC) deficiency (see for example: Finkelstein et al. 1990. PubMed ID: 2347583; Staretz-Chacham et al. 2020. PubMed ID: 33190319; Lu et al. 2020. PubMed ID: 33272297). This variant has not been reported in a large population database (gnomAD), indicating it is rare. This variant is consistently classified as pathogenic by several submitters to the ClinVar database (Variation ID: 10999). Additionally, alternate missense changes impacting the same amino acid (p.Arg277Leu and p.Arg277Gln) have also been reported in individuals with OTC deficiency (Tuchman et al. 2002. PubMed ID: 11793468). Given the evidence, the c.829C>T (p.Arg277Trp) variant is interpreted as pathogenic.

Ambry Genetics
Classification: Pathogenic for Inborn genetic diseases. Last evaluated: 2026-01-12. Review status: criteria provided, single submitter. Criteria: Ambry Variant Classification Scheme 2023. Collection method: clinical testing. Allele origin: germline.
Comment: The c.829C>T (p.R277W) alteration is located in exon 8 (coding exon 8) of the OTC gene. This alteration results from a C to T substitution at nucleotide position 829, causing the arginine (R) at amino acid position 277 to be replaced by a tryptophan (W). This variant was not reported in population-based cohorts in the Genome Aggregation Database (gnomAD). This variant was reported as hemizygous and/or heterozygous in individual(s) with features consistent with ornithine transcarbamylase deficiency; in at least one individual, it was determined to be de novo (Staretz-Chacham, 2021; Sen, 2021; Lu, 2020; Bijarnia-Mahay, 2018; Cavicchi, 2014; Finkelstein, 1990). This amino acid position is highly conserved in available vertebrate species. This alteration is predicted to be deleterious by in silico analysis. Based on the available evidence, this alteration is classified as pathogenic.

CeGaT Center for Human Genetics Tuebingen
Classification: Pathogenic. Last evaluated: 2024-11-01. Review status: criteria provided, single submitter. Criteria: CeGaT Center For Human Genetics Tuebingen Variant Classification Criteria Version 2. Collection method: clinical testing. Allele origin: germline. Affected: yes. Observed: 2 variant alleles.
Comment: OTC: PM1, PM2, PM5, PP4:Moderate, PS4:Moderate

Revvity Omics, Revvity
Classification: Pathogenic for Ornithine carbamoyltransferase deficiency. Last evaluated: 2024-06-19. Review status: criteria provided, single submitter. Criteria: ACMG Guidelines, 2015. Collection method: clinical testing. Allele origin: germline.

Color Diagnostics, LLC DBA Color Health
Classification: Pathogenic for Ornithine carbamoyltransferase deficiency. Last evaluated: 2024-05-16. Review status: criteria provided, single submitter. Criteria: ACMG Guidelines, 2015. Collection method: clinical testing. Allele origin: germline.
Comment: This missense variant replaces arginine with tryptophan at codon 277 of the OTC protein. Computational prediction suggests that this variant may have deleterious impact on protein structure and function. Functional studies have reported that this variant reduced protein stability and binding affinity to L-ornithine (PMID: 9175746). It has been shown that this variant segregated with disease in multiple affected families (PMID: 7860066, 23278509) and appeared spontaneously in one proband (PMID: 7860066). This variant has not been identified in the general population by the Genome Aggregation Database (gnomAD). A different missense variant occurring at the same codon, p.Arg277Gln, is known to be disease-causing (ClinVar Variation ID: 97339), indicating that arginine at this position is important for OTC protein function. Based on the available evidence, this variant is classified as Pathogenic.

GeneDx
Classification: Pathogenic. Last evaluated: 2024-05-11. Review status: criteria provided, single submitter. Criteria: GeneDx Variant Classification Process June 2021. Collection method: clinical testing. Allele origin: germline. Affected: yes.
Comment: Not observed at significant frequency in large population cohorts (gnomAD); In silico analysis supports that this missense variant has a deleterious effect on protein structure/function; This variant is associated with the following publications: (PMID: 25994866, 21061009, 25525159, 21644234, 8365726, 7860066, 29581464, 2347583, 30285816, 2037279, 28324312, 33309754, 32778825, 33190319, 37146589, 23278509, 25026867, 33272297, 34014569)

All of Us Research Program, National Institutes of Health
Classification: Pathogenic for Ornithine carbamoyltransferase deficiency. Last evaluated: 2024-02-28. Review status: criteria provided, single submitter. Criteria: ACMG Guidelines, 2015. Collection method: clinical testing. Allele origin: germline. Inheritance: X-linked inheritance. Observed: 1 variant allele, 1 heterozygote.
Comment: This variant has been reported in multiple individuals with ornithine transcarbamylase deficiency (PMID: 2037279, 18030415, 19893582, 25994866, 31426867, 33272297). It was observed to occur de novo in an affected individual (PMID: 33272297). This variant is absent from large population databases, including the Genome Aggregation Database. This variant is predicted to be deleterious by in silico analysis. Functional studies suggest that this variant has a deleterious effect on the protein (PMID: 9175746, 9065786, 10946359).

This study involves interpretation of variants in research participants for the purpose of population health screening. Participant phenotype was not available at the time of variant classification. Additional details can be found in publication PMID: 35346344, PMCID: PMC8962531

Labcorp Genetics (formerly Invitae), Labcorp
Classification: Pathogenic for Ornithine carbamoyltransferase deficiency. Last evaluated: 2024-01-30. Review status: criteria provided, single submitter. Criteria: Invitae Variant Classification Sherloc (09022015). Collection method: clinical testing. Allele origin: germline.
Comment: This sequence change replaces arginine, which is basic and polar, with tryptophan, which is neutral and slightly polar, at codon 277 of the OTC protein (p.Arg277Trp). This variant is not present in population databases (gnomAD no frequency). This missense change has been observed in individual(s) with OTC deficiency (PMID: 2037279, 2347583, 7860066, 25026867, 30285816). ClinVar contains an entry for this variant (Variation ID: 10999). Advanced modeling of protein sequence and biophysical properties (such as structural, functional, and spatial information, amino acid conservation, physicochemical variation, residue mobility, and thermodynamic stability) performed at Invitae indicates that this missense variant is expected to disrupt OTC protein function with a positive predictive value of 95%. For these reasons, this variant has been classified as Pathogenic.

MGZ Medical Genetics Center
Classification: Pathogenic for Ornithine carbamoyltransferase deficiency. Last evaluated: 2022-07-11. Review status: criteria provided, single submitter. Criteria: ACMG Guidelines, 2015. Collection method: clinical testing. Allele origin: germline. Affected: yes. Observed: 1 variant allele.
Comment: ACMG criteria applied: PS4, PS3_MOD, PM5, PM2_SUP, PP3

Genome-Nilou Lab
Classification: Pathogenic for Ornithine carbamoyltransferase deficiency. Last evaluated: 2021-11-07. Review status: criteria provided, single submitter. Criteria: ACMG Guidelines, 2015. Collection method: clinical testing. Allele origin: germline. Affected: no.

Women's Health and Genetics/Laboratory Corporation of America, LabCorp
Classification: Pathogenic for Ornithine carbamoyltransferase deficiency. Last evaluated: 2020-02-03. Review status: criteria provided, single submitter. Criteria: LabCorp Variant Classification Summary - May 2015. Collection method: clinical testing. Allele origin: germline.
Comment: Variant summary: OTC c.829C>T (p.Arg277Trp) results in a non-conservative amino acid change located in the Aspartate/ornithine carbamoyltransferase, Asp/Orn-binding domain (IPR006131) of the encoded protein sequence. Five of five in-silico tools predict a damaging effect of the variant on protein function. The variant was absent in 183008 control chromosomes. c.829C>T has been reported in the literature in multiple individuals affected with Ornithine Transcarbamylase Deficiency (example, Finkelstein_1990, Morizono_1997, Bijarnia-Mahay_2018, Kim_2006, Lee_2014, Storkanova_2013, Silvera-Ruiz_2019). These data indicate that the variant is very likely to be associated with disease. At least one publication reports experimental evidence evaluating an impact on protein function. The most pronounced variant effect results in 2%-<30% of normal activity OTC'ase activity with a markedly reduced affinity for L-Ornithine (example, Morizono_1997). One clinical diagnostic laboratory has submitted clinical-significance assessments for this variant to ClinVar after 2014 without evidence for independent evaluation and classified the variant as pathogenic. Based on the evidence outlined above, the variant was classified as pathogenic.

OMIM
Classification: Pathogenic for ORNITHINE TRANSCARBAMYLASE DEFICIENCY. Last evaluated: 1990-06-01. Review status: no assertion criteria provided. Collection method: literature only. Allele origin: germline. Not counted in ClinVar's aggregate classification.

GenMed Metabolism Lab
Classification: Pathogenic. Review status: no assertion criteria provided. Collection method: not provided. Allele origin: unknown. Not counted in ClinVar's aggregate classification.
Comment: p.Arg277Trp, Late, CpG dinucleotide, increased Km for ornithine
ClinVar note: Converted during submission from pathogenic to Pathogenic.

Literature cited by the submitters: PubMed 2347583 (cited by 5 submitters); PubMed 25026867 (cited by 3 submitters); PubMed 30285816 (cited by 4 submitters); PubMed 33190319 (cited by Ambry Genetics); PubMed 33272297 (cited by Ambry Genetics and All of Us Research Program, National Institutes of Health); PubMed 33552645 (cited by Ambry Genetics); PubMed 2037279 (cited by 3 submitters); PubMed 7860066 (cited by Color Diagnostics, LLC DBA Color Health and Labcorp Genetics (formerly Invitae), Labcorp); PubMed 9175746 (cited by 3 submitters); PubMed 17041896 (cited by Color Diagnostics, LLC DBA Color Health and Women's Health and Genetics/Laboratory Corporation of America, LabCorp); PubMed 23278509 (cited by Color Diagnostics, LLC DBA Color Health and Women's Health and Genetics/Laboratory Corporation of America, LabCorp); PubMed 31426867 (cited by 3 submitters); PubMed 9065786 (cited by All of Us Research Program, National Institutes of Health); PubMed 10946359 (cited by All of Us Research Program, National Institutes of Health); PubMed 18030415 (cited by All of Us Research Program, National Institutes of Health); PubMed 19893582 (cited by All of Us Research Program, National Institutes of Health); PubMed 25994866 (cited by All of Us Research Program, National Institutes of Health); PubMed 25011434 (cited by Women's Health and Genetics/Laboratory Corporation of America, LabCorp).